The following is an entry in ClinVar:

NM_000439.5(PCSK1):c.65T>C (p.Leu22Pro)

Genes: CAST (calpastatin; plus strand), PCSK1 (proprotein convertase subtilisin/kexin type 1; minus strand), LOC101929710 (uncharacterized LOC101929710; plus strand). Cytogenetic location: 5q15.
Variant type: single nucleotide variant.
Coding change: c.65T>C on transcript NM_000439.5 (MANE Select); coding-DNA position 65, T replaced by C.
Protein change: p.Leu22Pro; replaces leucine 22 with proline.
Molecular consequence: missense variant.
Genome position (GRCh38, 1-based): chr5:96,432,978, A>G on the plus strand (T>C on the coding strand, the complement: PCSK1 is on the minus strand). VCF-style: chr5-96432978-A-G. GRCh37 (hg19) VCF-style: chr5-95768682-A-G.
Other names: c.65T>C (NM_000439.4); short protein forms L22P.
Identifiers: ClinVar variation 1364454 (VCV001364454.5), dbSNP rs201377789, ClinGen allele CA3350605.
Genomic context (GRCh38, chr5:96,432,978, plus strand): 5'-CCCCCGGGGATCTCCGCTGCCCATTCATTGACAAATTGCCTTTTCGCTTTTGCACTGTTC[A>G]GTGCACACCAAGCGCAAAAGAGGACGAAAGCAGTGCACTGCAGACTCCAGGCTCTTCGCT-3'
Protein context (NP_000430.3, residues 12-32): AFVLFCAWCA[Leu22Pro]NSAKAKRQFV

ClinVar aggregate classification (germline): Uncertain significance. Review status: criteria provided, single submitter (1 of 4 stars). 2 submissions from 2 submitters: Uncertain significance (1). 1 of the submissions does not count toward it. Last evaluated 2022-06-13.

Conditions:
PCSK1-related disorder. Also called: PCSK1-related condition.

Allele frequency attached by ClinVar (database versions not stated): gnomAD exomes 0.00004 and 0.00011; ExAC 0.00013; ESP Exome Variant Server 0.00023; gnomAD 0.00040 and 0.00043; TOPMed 0.00046; 1000 Genomes Project 30x 0.00078; 1000 Genomes Project 0.00080.
gnomAD v4.1: 114 of 1,614,184 alleles (0.0071%); highest among the groups gnomAD compares: African/African-American, 0.14%; no homozygotes.

Submissions (2):

Labcorp Genetics (formerly Invitae), Labcorp
Classification: Uncertain significance. Last evaluated: 2022-06-13. Review status: criteria provided, single submitter. Criteria: Invitae Variant Classification Sherloc (09022015). Collection method: clinical testing. Allele origin: germline.
Comment: This sequence change replaces leucine, which is neutral and non-polar, with proline, which is neutral and non-polar, at codon 22 of the PCSK1 protein (p.Leu22Pro). This variant is present in population databases (rs201377789, gnomAD 0.1%). This variant has not been reported in the literature in individuals affected with PCSK1-related conditions. Algorithms developed to predict the effect of missense changes on protein structure and function (SIFT, PolyPhen-2, Align-GVGD) all suggest that this variant is likely to be tolerated. In summary, the available evidence is currently insufficient to determine the role of this variant in disease. Therefore, it has been classified as a Variant of Uncertain Significance.

PreventionGenetics, part of Exact Sciences
Classification: Likely benign for PCSK1-related condition. Last evaluated: 2022-02-04. Review status: no assertion criteria provided. Collection method: clinical testing. Allele origin: germline. Not counted in ClinVar's aggregate classification.
Comment: This variant is classified as likely benign based on ACMG/AMP sequence variant interpretation guidelines (Richards et al. 2015 PMID: 25741868, with internal and published modifications).